The following is an entry in ClinVar:

ClinVar aggregate classification (germline): Benign/Likely benign. Review status: criteria provided, multiple submitters, no conflicts (2 of 4 stars). 6 submissions from 6 submitters: Benign (1); Likely benign (4). 1 of the submissions does not count toward it. Last evaluated 2026-01-01.

Conditions:
COL9A1-related disorder. Also called: COL9A1-related condition; COL9A1-related disorders.

Allele frequency attached by ClinVar (database versions not stated): gnomAD exomes 0.00020; ExAC 0.00040; gnomAD 0.00067; 1000 Genomes Project 0.00080; TOPMed 0.00092; ESP Exome Variant Server 0.00100; 1000 Genomes Project 30x 0.00109.
gnomAD v4.1: 281 of 1,562,756 alleles (0.018%); highest among the groups gnomAD compares: African/African-American, 0.31%; no homozygotes.

Submissions (6):

Labcorp Genetics (formerly Invitae), Labcorp
Classification: Benign. Last evaluated: 2026-01-01. Review status: criteria provided, single submitter. Criteria: Invitae Variant Classification Sherloc (09022015). Collection method: clinical testing. Allele origin: germline.

Women's Health and Genetics/Laboratory Corporation of America, LabCorp
Classification: Likely benign. Last evaluated: 2024-11-25. Review status: criteria provided, single submitter. Criteria: LabCorp Variant Classification Summary - May 2015. Collection method: clinical testing. Allele origin: germline.

Blueprint Genetics
Classification: Likely benign. Last evaluated: 2024-06-20. Review status: criteria provided, single submitter. Criteria: ACMG Guidelines, 2015. Collection method: clinical testing. Allele origin: germline.

GeneDx
Classification: Likely benign. Last evaluated: 2021-01-19. Review status: criteria provided, single submitter. Criteria: GeneDx Variant Classification Process June 2021. Collection method: clinical testing. Allele origin: germline. Affected: yes.

Eurofins Ntd Llc (ga)
Classification: Likely benign. Last evaluated: 2017-11-15. Review status: criteria provided, single submitter. Criteria: EGL Classification Definitions 2015. Collection method: clinical testing. Allele origin: germline. Observed: 1 variant allele, 1 heterozygote.

PreventionGenetics, part of Exact Sciences
Classification: Likely benign for COL9A1-related condition. Last evaluated: 2023-01-03. Review status: no assertion criteria provided. Collection method: clinical testing. Allele origin: germline. Not counted in ClinVar's aggregate classification.
Comment: This variant is classified as likely benign based on ACMG/AMP sequence variant interpretation guidelines (Richards et al. 2015 PMID: 25741868, with internal and published modifications).

NM_001851.6(COL9A1):c.1053G>A (p.Ser351=)

Gene: COL9A1 (collagen type IX alpha 1 chain; minus strand). Cytogenetic location: 6q13.
Variant type: single nucleotide variant.
Coding change: c.1053G>A on transcript NM_001851.6 (MANE Select); coding-DNA position 1053, G replaced by A.
Protein change: p.Ser351=; no amino-acid change (serine 351 retained).
Molecular consequence: synonymous variant. On other transcripts: non-coding transcript variant (1).
Genome position (GRCh38, 1-based): chr6:70,274,059, C>T on the plus strand (G>A on the coding strand, the complement: COL9A1 is on the minus strand). VCF-style: chr6-70274059-C-T. GRCh37 (hg19) VCF-style: chr6-70983762-C-T.
Other names: c.324G>A, p.Ser108= (NM_001377289.1, NM_001377290.1, NM_078485.4).
Identifiers: ClinVar variation 386375 (VCV000386375.21), dbSNP rs75433477, ClinGen allele CA3882475.